The following is an entry in ClinVar:

NM_002830.4(PTPN4):c.659A>C (p.Glu220Ala)

Gene: PTPN4 (protein tyrosine phosphatase non-receptor type 4; plus strand). Cytogenetic location: 2q14.2.
Variant type: single nucleotide variant.
Coding change: c.659A>C on transcript NM_002830.4 (MANE Select); coding-DNA position 659, A replaced by C.
Protein change: p.Glu220Ala; replaces glutamic acid 220 with alanine.
Molecular consequence: missense variant.
Genome position (GRCh38, 1-based): chr2:119,885,866, A>C. VCF-style: chr2-119885866-A-C. GRCh37 (hg19) VCF-style: chr2-120643442-A-C.
Other names: short protein forms E220A.
Identifiers: ClinVar variation 1313389 (VCV001313389.2), dbSNP rs2105005142, ClinGen allele CA348189079.

ClinVar aggregate classification (germline): Uncertain significance (1 of 4 stars; one submission).

Allele frequency attached by ClinVar (database versions not stated): gnomAD exomes 0.00002.
gnomAD v4.1: 14 of 1,598,998 alleles (0.00088%); highest among the groups gnomAD compares: Non-Finnish European, 0.0012%; no homozygotes.

Submission:

GeneDx
Classification: Uncertain significance. Last evaluated: 2020-10-21. Review status: criteria provided, single submitter. Criteria: GeneDx Variant Classification Process June 2021. Collection method: clinical testing. Allele origin: germline. Affected: yes.
Comment: Variants in candidate genes are classified as variants of uncertain significance in accordance with ACMG guidelines (Richards et al., 2015); Has not been previously published as pathogenic or benign to our knowledge; In silico analysis supports that this missense variant has a deleterious effect on protein structure/function; Not observed in large population cohorts (Lek et al., 2016)